The following is an entry in ClinVar:

NM_025243.4(SLC19A3):c.172G>A (p.Val58Ile)

Gene: SLC19A3 (solute carrier family 19 member 3; minus strand). Cytogenetic location: 2q36.3.
Variant type: single nucleotide variant.
Coding change: c.172G>A on transcript NM_025243.4 (MANE Select); coding-DNA position 172, G replaced by A.
Protein change: p.Val58Ile; replaces valine 58 with isoleucine.
Molecular consequence: missense variant.
Genome position (GRCh38, 1-based): chr2:227,699,543, C>T on the plus strand (G>A on the coding strand, the complement: SLC19A3 is on the minus strand). VCF-style: chr2-227699543-C-T. GRCh37 (hg19) VCF-style: chr2-228564259-C-T.
Other names: c.172G>A, p.Val58Ile (NM_001371411.1, NM_001371412.1); c.160G>A, p.Val54Ile (NM_001371413.1, NM_001371414.1); c.172G>A (NM_025243.3); short protein forms V54I, V58I.
Identifiers: ClinVar variation 1430845 (VCV001430845.6), dbSNP rs200412423, ClinGen allele CA2149358.
Genomic context (GRCh38, chr2:227,699,543, plus strand): 5'-GGACATAATCGGTGAGGACAAACACAGGCAGCAGCAGCACCAGGTAGGAGTATGTCCAAA[C>T]GGGGAAGATCTCATTTGTTATCTGCAAAGTTGGTAAATTGCATGACCACGAAGCACCGGT-3'
Protein context (NP_079519.1, residues 48-68): SAEITNEIFP[Val58Ile]WTYSYLVLLL

ClinVar aggregate classification (germline): Uncertain significance. Review status: criteria provided, multiple submitters, no conflicts (2 of 4 stars). 2 submissions from 2 submitters: Uncertain significance (2). Last evaluated 2026-05-26.

Conditions:
Biotin-responsive basal ganglia disease (BTBGD). Also called: Thiamine metabolism dysfunction syndrome 2 (biotin- or thiamine-responsive encephalopathy type 2); thiamine-responsive encephalopathy; Thiamine Transporter-2 Deficiency; THIAMINE METABOLISM DYSFUNCTION SYNDROME 2 (BIOTIN- AND THIAMINE-RESPONSIVE TYPE); Thiamine metabolism dysfunction syndrome type 2. Identifiers: Orphanet 199348, Orphanet 65284, MedGen C1843807, MONDO:0011841, OMIM 607483.
Inborn genetic diseases. Identifiers: MedGen C0950123, MeSH D030342.

Allele frequency attached by ClinVar (database versions not stated): gnomAD 0.00003 and 0.00004; TOPMed 0.00003; 1000 Genomes Project 0.00020; 1000 Genomes Project 30x 0.00016.
gnomAD v4.1: 17 of 1,614,108 alleles (0.0011%); highest among the groups gnomAD compares: African/African-American, 0.0067%; no homozygotes.

Submissions (2):

Ambry Genetics
Classification: Uncertain significance for Inborn genetic diseases. Last evaluated: 2026-05-26. Review status: criteria provided, single submitter. Criteria: Ambry Variant Classification Scheme 2023. Collection method: clinical testing. Allele origin: germline.
Comment: The c.172G>A (p.V58I) alteration is located in exon 3 (coding exon 2) of the SLC19A3 gene. This alteration results from a G to A substitution at nucleotide position 172, causing the valine (V) at amino acid position 58 to be replaced by an isoleucine (I). Based on data from gnomAD, the A allele has an overall frequency of 0.003% (7/281880) total alleles studied. The highest observed frequency was 0.016% (4/24964) of African alleles. Based on insufficient or conflicting evidence, the clinical significance of this alteration remains unclear.

Labcorp Genetics (formerly Invitae), Labcorp
Classification: Uncertain significance for Biotin-responsive basal ganglia disease. Last evaluated: 2022-04-23. Review status: criteria provided, single submitter. Criteria: Invitae Variant Classification Sherloc (09022015). Collection method: clinical testing. Allele origin: germline.
Comment: This sequence change replaces valine, which is neutral and non-polar, with isoleucine, which is neutral and non-polar, at codon 58 of the SLC19A3 protein (p.Val58Ile). This variant is present in population databases (rs200412423, gnomAD 0.02%). This variant has not been reported in the literature in individuals affected with SLC19A3-related conditions. Advanced modeling of protein sequence and biophysical properties (such as structural, functional, and spatial information, amino acid conservation, physicochemical variation, residue mobility, and thermodynamic stability) performed at Invitae indicates that this missense variant is not expected to disrupt SLC19A3 protein function. In summary, the available evidence is currently insufficient to determine the role of this variant in disease. Therefore, it has been classified as a Variant of Uncertain Significance.